The following is an entry in ClinVar:

ClinVar aggregate classification (germline): Uncertain significance. Review status: criteria provided, multiple submitters, no conflicts (2 of 4 stars). 3 submissions from 3 submitters: Uncertain significance (3). Last evaluated 2025-08-21.

Allele frequency attached by ClinVar (database versions not stated): gnomAD exomes 0.00001 and 0.00006; TOPMed 0.00002; gnomAD 0.00003 and 0.00005; ExAC 0.00004; 1000 Genomes Project 30x 0.00047; 1000 Genomes Project 0.00060.
gnomAD v4.1: 21 of 1,611,444 alleles (0.0013%); highest among the groups gnomAD compares: East Asian, 0.045%; no homozygotes.

Submissions (3):

Labcorp Genetics (formerly Invitae), Labcorp
Classification: Uncertain significance. Last evaluated: 2025-08-21. Review status: criteria provided, single submitter. Criteria: Invitae Variant Classification Sherloc (09022015). Collection method: clinical testing. Allele origin: germline.
Comment: This sequence change replaces glycine, which is neutral and non-polar, with arginine, which is basic and polar, at codon 979 of the ABCC6 protein (p.Gly979Arg). This variant is present in population databases (rs569941928, gnomAD 0.09%). This variant has not been reported in the literature in individuals affected with ABCC6-related conditions. ClinVar contains an entry for this variant (Variation ID: 426914). Invitae Evidence Modeling of protein sequence and biophysical properties (such as structural, functional, and spatial information, amino acid conservation, physicochemical variation, residue mobility, and thermodynamic stability) has been performed for this missense variant. However, the output from this modeling did not meet the statistical confidence thresholds required to predict the impact of this variant on ABCC6 protein function. In summary, the available evidence is currently insufficient to determine the role of this variant in disease. Therefore, it has been classified as a Variant of Uncertain Significance.

Blueprint Genetics
Classification: Uncertain significance. Last evaluated: 2024-09-12. Review status: criteria provided, single submitter. Criteria: ACMG Guidelines, 2015. Collection method: clinical testing. Allele origin: germline.

GeneDx
Classification: Uncertain significance. Last evaluated: 2017-03-28. Review status: criteria provided, single submitter. Criteria: GeneDx Variant Classification (06012015). Collection method: clinical testing. Allele origin: germline. Affected: yes.
Comment: The G979R variant in the ABCC6 gene has not been reported previously as a pathogenic variant, nor as a benign variant, to our knowledge. The G979R variant is not observed at a significant frequency in large population cohorts (Lek et al., 2016; 1000 Genomes Consortium et al., 2015; Exome Variant Server). The G979R variant is a non-conservative amino acid substitution, which is likely to impact secondary protein structure as these residues differ in polarity, charge, size and/or other properties. This substitution occurs at a position that is conserved across species. In silico analysis predicts this variant is probably damaging to the protein structure/function. We interpret G979R as a variant of uncertain significance.

NM_001171.6(ABCC6):c.2935G>C (p.Gly979Arg)

Gene: ABCC6 (ATP binding cassette subfamily C member 6; minus strand). Cytogenetic location: 16p13.11.
Variant type: single nucleotide variant.
Coding change: c.2935G>C on transcript NM_001171.6 (MANE Select); coding-DNA position 2935, G replaced by C.
Protein change: p.Gly979Arg; replaces glycine 979 with arginine.
Molecular consequence: missense variant. On other transcripts: non-coding transcript variant (1).
Genome position (GRCh38, 1-based): chr16:16,169,706, C>G on the plus strand (G>C on the coding strand, the complement: ABCC6 is on the minus strand). VCF-style: chr16-16169706-C-G. GRCh37 (hg19) VCF-style: chr16-16263563-C-G.
Other names: c.2593G>C, p.Gly865Arg (NM_001351800.1); short protein forms G979R, G865R.
Identifiers: ClinVar variation 426914 (VCV000426914.10), dbSNP rs569941928, ClinGen allele CA7925743.